The following is an entry in ClinVar:

ClinVar aggregate classification (germline): Uncertain significance (1 of 4 stars; one submission).

Conditions:
Rhabdoid tumor predisposition syndrome 2 (RTPS2). Identifiers: Orphanet 231108, Orphanet 69077, MedGen C2750074, MONDO:0013224, OMIM 613325.

Submission:

Labcorp Genetics (formerly Invitae), Labcorp
Classification: Uncertain significance for Rhabdoid tumor predisposition syndrome 2. Last evaluated: 2022-11-23. Review status: criteria provided, single submitter. Criteria: Invitae Variant Classification Sherloc (09022015). Collection method: clinical testing. Allele origin: germline.
Comment: This sequence change replaces alanine, which is neutral and non-polar, with serine, which is neutral and polar, at codon 340 of the SMARCA4 protein (p.Ala340Ser). This variant is not present in population databases (gnomAD no frequency). This variant has not been reported in the literature in individuals affected with SMARCA4-related conditions. ClinVar contains an entry for this variant (Variation ID: 1474644). Advanced modeling of protein sequence and biophysical properties (such as structural, functional, and spatial information, amino acid conservation, physicochemical variation, residue mobility, and thermodynamic stability) performed at Invitae indicates that this missense variant is not expected to disrupt SMARCA4 protein function. In summary, the available evidence is currently insufficient to determine the role of this variant in disease. Therefore, it has been classified as a Variant of Uncertain Significance.

NM_003072.5(SMARCA4):c.1018G>T (p.Ala340Ser)

Gene: SMARCA4 (SWI/SNF related BAF chromatin remodeling complex subunit ATPase 4; plus strand). Cytogenetic location: 19p13.2.
Variant type: single nucleotide variant.
Coding change: c.1018G>T on transcript NM_003072.5 (MANE Select); coding-DNA position 1018, G replaced by T.
Protein change: p.Ala340Ser; replaces alanine 340 with serine.
Molecular consequence: missense variant. On other transcripts: non-coding transcript variant (1).
Genome position (GRCh38, 1-based): chr19:10,987,824, G>T. VCF-style: chr19-10987824-G-T. GRCh37 (hg19) VCF-style: chr19-11098500-G-T.
Other names: c.1018G>T, p.Ala340Ser (NM_001128844.3, NM_001128845.2, NM_001128846.2 and 5 more transcripts); short protein forms A340S.
Identifiers: ClinVar variation 1474644 (VCV001474644.8), dbSNP rs371214327, ClinGen allele CA404058643.